The following is an entry in ClinVar:

NM_014855.3(AP5Z1):c.1988C>G (p.Thr663Ser)

Gene: AP5Z1 (adaptor related protein complex 5 subunit zeta 1; plus strand). Cytogenetic location: 7p22.1.
Variant type: single nucleotide variant.
Coding change: c.1988C>G on transcript NM_014855.3 (MANE Select); coding-DNA position 1988, C replaced by G.
Protein change: p.Thr663Ser; replaces threonine 663 with serine.
Molecular consequence: missense variant. On other transcripts: non-coding transcript variant (1).
Genome position (GRCh38, 1-based): chr7:4,790,722, C>G. VCF-style: chr7-4790722-C-G. GRCh37 (hg19) VCF-style: chr7-4830353-C-G.
Other names: c.1520C>G, p.Thr507Ser (NM_001364858.1); c.1988C>G, p.Thr663Ser (LRG_1247t1); short protein forms T663S, T507S.
Identifiers: ClinVar variation 546248 (VCV000546248.2), dbSNP rs760640617, ClinGen allele CA366664626.
Genomic context (GRCh38, chr7:4,790,722, plus strand): 5'-CCCGGGCCTAGGTGTGGGCCATCGGCGAGTACCTGTCGGTGACCTACGATCGGAGGTGCA[C>G]CGTGGAGCAGATCAACAAGTTCTTCGAAGCCCTGGAGGCTCTGCTATTCGAGGTCACCCA-3'
Protein context (NP_055670.1, residues 653-673): YLSVTYDRRC[Thr663Ser]VEQINKFFEA

ClinVar aggregate classification (germline): Uncertain significance (1 of 4 stars; one submission).

Submission:

GeneDx
Classification: Uncertain significance. Last evaluated: 2018-05-18. Review status: criteria provided, single submitter. Criteria: GeneDx Variant Classification (06012015). Collection method: clinical testing. Allele origin: germline. Affected: yes.
Comment: The T663S variant in the AP5Z1 gene has not been reported previously as a pathogenic variant, nor as a benign variant, to our knowledge. The T663S variant is not observed in large population cohorts (Lek et al., 2016). The T663S variant is a conservative amino acid substitution, which is not likely to impact secondary protein structure as these residues share similar properties. In-silico analyses, including protein predictors and evolutionary conservation, support that this variant does not alter protein structure/function. We interpret T663S as a variant of uncertain significance.